The following is an entry in ClinVar:

NM_203447.4(DOCK8):c.3725C>T (p.Thr1242Ile)

Gene: DOCK8 (dedicator of cytokinesis 8; plus strand). Cytogenetic location: 9p24.3.
Variant type: single nucleotide variant.
Coding change: c.3725C>T on transcript NM_203447.4 (MANE Select); coding-DNA position 3725, C replaced by T.
Protein change: p.Thr1242Ile; replaces threonine 1242 with isoleucine.
Molecular consequence: missense variant.
Genome position (GRCh38, 1-based): chr9:418,092, C>T. VCF-style: chr9-418092-C-T. GRCh37 (hg19) VCF-style: chr9-418092-C-T.
Other names: c.3425C>T, p.Thr1142Ile (NM_001190458.2); c.3521C>T, p.Thr1174Ile (NM_001193536.2); short protein forms T1174I, T1142I, T1242I.
Identifiers: ClinVar variation 4778205 (VCV004778205.1).

ClinVar aggregate classification (germline): Uncertain significance (1 of 4 stars; one submission).

Conditions:
Combined immunodeficiency due to DOCK8 deficiency (HIES2). Also called: HIES autosomal recessive; Hyper-IgE recurrent infection syndrome, autosomal recessive; HYPER-IgE RECURRENT INFECTION SYNDROME 2, AUTOSOMAL RECESSIVE; HYPER-IgE SYNDROME 2, AUTOSOMAL RECESSIVE, WITH RECURRENT INFECTIONS; DOCK8 Deficiency. Identifiers: Orphanet 217390, MedGen C4722305, MONDO:0009478, OMIM 243700.

gnomAD v4.1: 22 of 1,614,170 alleles (0.0014%); highest among the groups gnomAD compares: South Asian, 0.024%; no homozygotes.

Submission:

Labcorp Genetics (formerly Invitae), Labcorp
Classification: Uncertain significance for Combined immunodeficiency due to DOCK8 deficiency. Last evaluated: 2025-06-15. Review status: criteria provided, single submitter. Criteria: Invitae Variant Classification Sherloc (09022015). Collection method: clinical testing. Allele origin: germline.
Comment: This sequence change replaces threonine, which is neutral and polar, with isoleucine, which is neutral and non-polar, at codon 1242 of the DOCK8 protein (p.Thr1242Ile). This variant is present in population databases (rs778656610, gnomAD 0.04%). This variant has not been reported in the literature in individuals affected with DOCK8-related conditions. Invitae Evidence Modeling of protein sequence and biophysical properties (such as structural, functional, and spatial information, amino acid conservation, physicochemical variation, residue mobility, and thermodynamic stability) indicates that this missense variant is not expected to disrupt DOCK8 protein function with a negative predictive value of 80%. In summary, the available evidence is currently insufficient to determine the role of this variant in disease. Therefore, it has been classified as a Variant of Uncertain Significance.